The following is an entry in ClinVar:

NM_015557.3(CHD5):c.1675G>T (p.Gly559Trp)

Gene: CHD5 (chromodomain helicase DNA binding protein 5; minus strand). Cytogenetic location: 1p36.31.
Variant type: single nucleotide variant.
Coding change: c.1675G>T on transcript NM_015557.3 (MANE Select); coding-DNA position 1675, G replaced by T.
Protein change: p.Gly559Trp; replaces glycine 559 with tryptophan.
Molecular consequence: missense variant.
Genome position (GRCh38, 1-based): chr1:6,146,339, C>A on the plus strand (G>T on the coding strand, the complement: CHD5 is on the minus strand). VCF-style: chr1-6146339-C-A. GRCh37 (hg19) VCF-style: chr1-6206399-C-A.
Other names: short protein forms G559W.
Identifiers: ClinVar variation 4976391 (VCV004976391.1).

ClinVar aggregate classification (germline): Uncertain significance (1 of 4 stars; one submission).

Submission:

GeneDx
Classification: Uncertain significance. Last evaluated: 2026-02-10. Review status: criteria provided, single submitter. Criteria: GeneDx Variant Classification Process June 2021. Collection method: clinical testing. Allele origin: germline.
Comment: Not observed at significant frequency in large population cohorts (gnomAD); In silico analysis supports that this missense variant has a deleterious effect on protein structure/function; Has not been previously published as pathogenic or benign to our knowledge